The following is an entry in ClinVar:

ClinVar aggregate classification (germline): Likely benign. Review status: reviewed by expert panel (3 of 4 stars). 8 submissions from 8 submitters: Likely benign (1). 7 of the submissions do not count toward it. Last evaluated 2025-03-25.

Conditions:
Very long chain acyl-CoA dehydrogenase deficiency (ACADVLD). Also called: VLCAD Deficiency; Very Long-Chain Acyl-Coenzyme A Dehydrogenase Deficiency. Identifiers: Orphanet 26793, MedGen C3887523, MONDO:0008723, OMIM 201475.
Inborn genetic diseases. Identifiers: MedGen C0950123, MeSH D030342.

Allele frequency attached by ClinVar (database versions not stated): 1000 Genomes Project 0.00020; gnomAD exomes 0.00026 and 0.00035; TOPMed 0.00032; ExAC 0.00034; gnomAD 0.00035; ESP Exome Variant Server 0.00062; 1000 Genomes Project 30x 0.00016.
gnomAD v4.1: 442 of 1,613,800 alleles (0.027%); highest among the groups gnomAD compares: Non-Finnish European, 0.026%; no homozygotes.

Submissions (8):

ClinGen ACADVL Variant Curation Expert Panel, ClinGen
Classification: Likely benign for Very long chain acyl-CoA dehydrogenase deficiency. Last evaluated: 2025-03-25. Review status: reviewed by expert panel. Criteria: clingen acadvl acmg specifications v1. Collection method: curation. Allele origin: germline. Inheritance: Autosomal recessive inheritance.
Comment: The c.1581G>A variant in ACADVL is a synonymous variant which occurs in exon 16 (out of 20). The results from 2 in silico splicing predictors (SpliceAI, MutationTaster) support that this variant does not affect splicing. In addition, it occurs at a nucleotide that is not conserved as shown by the 100 vertebrate Basewise Conservation by PhyloP track in the UCSC genome browser (BP4, BP7). The highest population minor allele frequency in gnomAD v2.1.1 is 0.00050 in European (Non-Finnish) population, which is lower than the ClinGen ACADVL Expert Panel threshold (<0.001 (0.1%)) for PM2_Supporting; however, this is not considered conflicting evidence with BP4 and BP7. In summary, this variant meets the criteria to be classified as likely benign for autosomal recessive very long chain acyl-CoA dehydrogenase (VLCAD) deficiency based on the ACMG/AMP criteria applied, as specified by the ClinGen ACADVL Variant Curation Expert Panel: PM2, BP4, BP7 (ACADVL VCEP specifications version 1; approved November 9, 2021).

Labcorp Genetics (formerly Invitae), Labcorp
Classification: Benign for Very long chain acyl-CoA dehydrogenase deficiency. Last evaluated: 2026-02-03. Review status: criteria provided, single submitter. Criteria: Invitae Variant Classification Sherloc (09022015). Collection method: clinical testing. Allele origin: germline. Not counted in ClinVar's aggregate classification.

Blueprint Genetics
Classification: Likely benign. Last evaluated: 2024-11-15. Review status: criteria provided, single submitter. Criteria: ACMG Guidelines, 2015. Collection method: clinical testing. Allele origin: germline. Not counted in ClinVar's aggregate classification.

CeGaT Center for Human Genetics Tuebingen
Classification: Likely benign. Last evaluated: 2023-06-01. Review status: criteria provided, single submitter. Criteria: CeGaT Center For Human Genetics Tuebingen Variant Classification Criteria Version 2. Collection method: clinical testing. Allele origin: germline. Affected: yes. Observed: 3 variant alleles. Not counted in ClinVar's aggregate classification.
Comment: ACADVL: BP4, BP7

Ambry Genetics
Classification: Likely benign for Inborn genetic diseases. Last evaluated: 2022-05-20. Review status: criteria provided, single submitter. Criteria: Ambry Variant Classification Scheme 2023. Collection method: clinical testing. Allele origin: germline. Not counted in ClinVar's aggregate classification.

GeneDx
Classification: Likely benign. Last evaluated: 2018-03-12. Review status: criteria provided, single submitter. Criteria: GeneDx Variant Classification (06012015). Collection method: clinical testing. Allele origin: germline. Affected: yes. Not counted in ClinVar's aggregate classification.
Comment: This variant is considered likely benign or benign based on one or more of the following criteria: it is a conservative change, it occurs at a poorly conserved position in the protein, it is predicted to be benign by multiple in silico algorithms, and/or has population frequency not consistent with disease.

Illumina Laboratory Services, Illumina
Classification: Uncertain significance for Very long chain acyl-CoA dehydrogenase deficiency. Last evaluated: 2018-01-13. Review status: criteria provided, single submitter. Criteria: ICSL Variant Classification Criteria 13 December 2019. Collection method: clinical testing. Allele origin: germline. Not counted in ClinVar's aggregate classification.

Natera, Inc.
Classification: Uncertain significance for Very long chain acyl-CoA dehydrogenase deficiency. Last evaluated: 2020-01-10. Review status: no assertion criteria provided. Collection method: clinical testing. Allele origin: germline. Not counted in ClinVar's aggregate classification.

NM_000018.4(ACADVL):c.1581G>A (p.Pro527=)

Gene: ACADVL (acyl-CoA dehydrogenase very long chain; plus strand). Cytogenetic location: 17p13.1.
Variant type: single nucleotide variant.
Coding change: c.1581G>A on transcript NM_000018.4 (MANE Select); coding-DNA position 1581, G replaced by A.
Protein change: p.Pro527=; no amino-acid change (proline 527 retained).
Molecular consequence: synonymous variant.
Genome position (GRCh38, 1-based): chr17:7,224,369, G>A. VCF-style: chr17-7224369-G-A. GRCh37 (hg19) VCF-style: chr17-7127688-G-A.
Other names: NM_000018.4(ACADVL):c.1581G>A; p.Pro527=; c.1515G>A, p.Pro505= (NM_001033859.3); c.1650G>A, p.Pro550= (NM_001270447.2); c.1353G>A, p.Pro451= (NM_001270448.2).
Identifiers: ClinVar variation 324995 (VCV000324995.49), dbSNP rs149436747, ClinGen allele CA8338160.